The following is an entry in ClinVar:

NM_152594.3(SPRED1):c.*4304G>A

Gene: SPRED1 (sprouty related EVH1 domain containing 1; plus strand). Cytogenetic location: 15q14.
Variant type: single nucleotide variant.
Coding change: c.*4304G>A on transcript NM_152594.3 (MANE Select); 4304 bases downstream of the stop codon, G replaced by A.
Molecular consequence: 3 prime UTR variant.
Genome position (GRCh38, 1-based): chr15:38,355,968, G>A. VCF-style: chr15-38355968-G-A. GRCh37 (hg19) VCF-style: chr15-38648169-G-A.
Identifiers: ClinVar variation 887264 (VCV000887264.28), dbSNP rs537477031, ClinGen allele CA269293894.

ClinVar aggregate classification (germline): Conflicting classifications of pathogenicity. Review status: criteria provided, conflicting classifications (1 of 4 stars). 2 submissions from 2 submitters: Uncertain significance (1); Likely benign (1). Last evaluated 2023-05-01.

Conditions:
Legius syndrome. Identifiers: Orphanet 137605, MedGen C1969623, MONDO:0012669, OMIM 611431. Disease mechanism: loss of function.

Allele frequency attached by ClinVar (database versions not stated): 1000 Genomes Project 30x 0.00016; gnomAD 0.00017 and 0.00027; 1000 Genomes Project 0.00020; TOPMed 0.00025.

Submissions (2):

CeGaT Center for Human Genetics Tuebingen
Classification: Likely benign. Last evaluated: 2023-05-01. Review status: criteria provided, single submitter. Criteria: CeGaT Center For Human Genetics Tuebingen Variant Classification Criteria Version 2. Collection method: clinical testing. Allele origin: germline. Affected: yes. Observed: 3 variant alleles.
Comment: SPRED1: BS1

Illumina Laboratory Services, Illumina
Classification: Uncertain significance for Legius syndrome. Last evaluated: 2018-01-13. Review status: criteria provided, single submitter. Criteria: ICSL Variant Classification Criteria 13 December 2019. Collection method: clinical testing. Allele origin: germline.